The following is an entry in ClinVar:

ClinVar aggregate classification (germline): Uncertain significance (1 of 4 stars; one submission).

Conditions:
Inborn genetic diseases. Identifiers: MedGen C0950123, MeSH D030342.

gnomAD v4.1: 2 of 1,606,446 alleles (0.00012%); highest among the groups gnomAD compares: Admixed American, 0.0017%; no homozygotes.

Submission:

Ambry Genetics
Classification: Uncertain significance for Inborn genetic diseases. Last evaluated: 2026-08-13. Review status: criteria provided, single submitter. Criteria: Ambry Variant Classification Scheme 2023. Collection method: clinical testing. Allele origin: germline.
Comment: The c.125A>G (p.Q42R) alteration is located in exon 2 (coding exon 2) of the SET gene. This alteration results from a A to G substitution at nucleotide position 125, causing the glutamine (Q) at amino acid position 42 to be replaced by an arginine (R). Based on data from gnomAD, the G allele has an overall frequency of <0.001% (1/245506) total alleles studied. The highest observed frequency was 0.003% (1/33360) of Latino alleles. Based on insufficient or conflicting evidence, the clinical significance of this alteration remains unclear.

NM_003011.4(SET):c.86A>G (p.Gln29Arg)

Gene: SET (SET nuclear proto-oncogene; plus strand). Cytogenetic location: 9q34.11.
Variant type: single nucleotide variant.
Coding change: c.86A>G on transcript NM_003011.4 (MANE Select); coding-DNA position 86, A replaced by G.
Protein change: p.Gln29Arg; replaces glutamine 29 with arginine.
Molecular consequence: missense variant.
Genome position (GRCh38, 1-based): chr9:128,691,182, A>G. VCF-style: chr9-128691182-A-G. GRCh37 (hg19) VCF-style: chr9-131453461-A-G.
Other names: c.125A>G, p.Gln42Arg (NM_001122821.2, NM_001374326.1); c.59A>G, p.Gln20Arg (NM_001248000.2); c.53A>G, p.Gln18Arg (NM_001248001.2); short protein forms Q20R, Q18R, Q29R, Q42R.
Identifiers: ClinVar variation 5029404 (VCV005029404.1).
Genomic context (GRCh38, chr9:128,691,182, plus strand): 5'-ACTAGGTAAATTTATCTTAGAATTAAGTTTTTTGCTCCTTTTTTGCAGAAAAAGAACAGC[A>G]AGAAGCGATTGAACACATTGATGAAGTACAAAATGAAATAGACAGGTAACATTTTTCTTA-3'
Protein context (NP_003002.2, residues 19-39): GADETSEKEQ[Gln29Arg]EAIEHIDEVQ